The following is an entry in ClinVar:

ClinVar aggregate classification (germline): Likely benign (0 of 4 stars; one submission).

Conditions:
RNF216-related disorder. Also called: RNF216-related condition.

Allele frequency attached by ClinVar (database versions not stated): ExAC 0.00001; TOPMed 0.00007; ESP Exome Variant Server 0.00008.
gnomAD v4.1: 20 of 1,613,718 alleles (0.0012%); highest among the groups gnomAD compares: African/African-American, 0.015%; no homozygotes.

Submission:

PreventionGenetics, part of Exact Sciences
Classification: Likely benign for RNF216-related condition. Last evaluated: 2019-04-05. Review status: no assertion criteria provided. Collection method: clinical testing. Allele origin: germline.
Comment: This variant is classified as likely benign based on ACMG/AMP sequence variant interpretation guidelines (Richards et al. 2015 PMID: 25741868, with internal and published modifications).

NM_207111.4(RNF216):c.2580G>A (p.Ala860=)

Gene: RNF216 (ring finger protein 216; minus strand). Cytogenetic location: 7p22.1.
Variant type: single nucleotide variant.
Coding change: c.2580G>A on transcript NM_207111.4 (MANE Select); coding-DNA position 2580, G replaced by A.
Protein change: p.Ala860=; no amino-acid change (alanine 860 retained).
Molecular consequence: synonymous variant.
Genome position (GRCh38, 1-based): chr7:5,623,052, C>T on the plus strand (G>A on the coding strand, the complement: RNF216 is on the minus strand). VCF-style: chr7-5623052-C-T. GRCh37 (hg19) VCF-style: chr7-5662683-C-T.
Other names: c.2409G>A, p.Ala803= (NM_001377156.1, NM_207116.3).
Identifiers: ClinVar variation 3057613 (VCV003057613.2), dbSNP rs139859373, ClinGen allele CA4147748.